The following is an entry in ClinVar:

ClinVar aggregate classification (germline): Uncertain significance. Review status: criteria provided, multiple submitters, no conflicts (2 of 4 stars). 6 submissions from 6 submitters: Uncertain significance (6). Last evaluated 2024-05-29.

Conditions:
Retinal dystrophy. Also called: Inherited retinal dystrophy. Identifiers: Orphanet 71862, MedGen C0854723, MeSH D058499, MONDO:0019118, HP:0000556.
IFT172-related disorder. Also called: IFT172-related disorders; IFT172-related condition.
Retinitis pigmentosa 71 (RP71). Identifiers: Orphanet 791, MedGen C4225342, MONDO:0014618, OMIM 616394.
Short-rib thoracic dysplasia 10 with or without polydactyly (SRTD10). Identifiers: Orphanet 474, MedGen C3810175, MONDO:0014284, OMIM 615630.
Inborn genetic diseases. Identifiers: MedGen C0950123, MeSH D030342.

Allele frequency attached by ClinVar (database versions not stated): ExAC 0.00002; gnomAD exomes 0.00002.

Submissions (6):

Ambry Genetics
Classification: Uncertain significance for Inborn genetic diseases. Last evaluated: 2024-05-29. Review status: criteria provided, single submitter. Criteria: Ambry Variant Classification Scheme 2023. Collection method: clinical testing. Allele origin: germline.

Dept Of Ophthalmology, Nagoya University
Classification: Uncertain significance for Retinal dystrophy. Last evaluated: 2023-10-01. Review status: criteria provided, single submitter. Criteria: Submitter's publication. Collection method: research. Allele origin: germline. Affected: yes.

PreventionGenetics, part of Exact Sciences
Classification: Uncertain significance for IFT172-related condition. Last evaluated: 2023-05-24. Review status: criteria provided, single submitter. Criteria: ACMG Guidelines, 2015. Collection method: clinical testing. Allele origin: germline.
Comment: The IFT172 c.1243G>A variant is predicted to result in the amino acid substitution p.Gly415Arg. To our knowledge, this variant has not been reported in the literature. This variant is reported in 0.016% of alleles in individuals of South Asian descent in gnomAD. At this time, the clinical significance of this variant is uncertain due to the absence of conclusive functional and genetic evidence.

GeneDx
Classification: Uncertain significance. Last evaluated: 2022-03-16. Review status: criteria provided, single submitter. Criteria: GeneDx Variant Classification Process June 2021. Collection method: clinical testing. Allele origin: germline. Affected: yes.
Comment: In silico analysis supports that this missense variant has a deleterious effect on protein structure/function; Has not been previously published as pathogenic or benign to our knowledge

Labcorp Genetics (formerly Invitae), Labcorp
Classification: Uncertain significance for Retinitis pigmentosa 71; Short-rib thoracic dysplasia 10 with or without polydactyly. Last evaluated: 2021-11-23. Review status: criteria provided, single submitter. Criteria: Invitae Variant Classification Sherloc (09022015). Collection method: clinical testing. Allele origin: germline.
Comment: This sequence change replaces glycine, which is neutral and non-polar, with arginine, which is basic and polar, at codon 415 of the IFT172 protein (p.Gly415Arg). This variant is present in population databases (rs746834072, gnomAD 0.02%). This variant has not been reported in the literature in individuals affected with IFT172-related conditions. Algorithms developed to predict the effect of missense changes on protein structure and function are either unavailable or do not agree on the potential impact of this missense change (SIFT: "Deleterious"; PolyPhen-2: "Probably Damaging"; Align-GVGD: "Class C0"). Algorithms developed to predict the effect of sequence changes on RNA splicing suggest that this variant may create or strengthen a splice site. In summary, the available evidence is currently insufficient to determine the role of this variant in disease. Therefore, it has been classified as a Variant of Uncertain Significance.

Blueprint Genetics
Classification: Uncertain significance. Last evaluated: 2019-08-07. Review status: criteria provided, single submitter. Criteria: ACMG Guidelines, 2015. Collection method: clinical testing. Allele origin: germline.

NM_015662.3(IFT172):c.1243G>A (p.Gly415Arg)

Gene: IFT172 (intraflagellar transport 172; minus strand). Cytogenetic location: 2p23.3.
Variant type: single nucleotide variant.
Coding change: c.1243G>A on transcript NM_015662.3 (MANE Select); coding-DNA position 1243, G replaced by A.
Protein change: p.Gly415Arg; replaces glycine 415 with arginine.
Molecular consequence: missense variant.
Genome position (GRCh38, 1-based): chr2:27,477,299, C>T on the plus strand (G>A on the coding strand, the complement: IFT172 is on the minus strand). VCF-style: chr2-27477299-C-T. GRCh37 (hg19) VCF-style: chr2-27700166-C-T.
Other names: c.1243G>A (NM_015662.1); short protein forms G415R.
Identifiers: ClinVar variation 1478308 (VCV001478308.8), dbSNP rs746834072, ClinGen allele CA1580720.
Genomic context (GRCh38, chr2:27,477,299, plus strand): 5'-ATTCAGTGCGTACAGAACCCAGGGTGTCATTATTCCCATATTCCACCAGGGTTAGCTCTC[C>T]GGCATTGAAGATCATGCATACCTGGGAAAAATGGAGTTGTTATACGGTGGAAAGGCTACA-3'
Protein context (NP_056477.1, residues 405-425): NENVCMIFNA[Gly415Arg]ELTLVEYGNN